The following is an entry in ClinVar:

ClinVar aggregate classification (germline): Conflicting classifications of pathogenicity. Review status: criteria provided, conflicting classifications (1 of 4 stars). 6 submissions from 6 submitters: Pathogenic (1); Likely pathogenic (2); Uncertain significance (1). 2 of the submissions do not count toward it. Last evaluated 2024-02-06.

Conditions:
Achromatopsia 2 (ACHM2). Also called: COLORBLINDNESS, TOTAL; ROD MONOCHROMACY 2; ROD MONOCHROMATISM 2. Identifiers: Orphanet 49382, MedGen C1857618, MONDO:0009003, OMIM 216900.
Achromatopsia. Also called: Rod monochromatism. Identifiers: Orphanet 49382, MedGen C0152200, MONDO:0018852, HP:0011516.

Allele frequency attached by ClinVar (database versions not stated): gnomAD below 0.00001 and 0.00001; gnomAD exomes below 0.00001.
gnomAD v4.1: 11 of 1,535,868 alleles (0.00072%); highest among the groups gnomAD compares: Middle Eastern, 0.017%; no homozygotes.

Submissions (6):

Fulgent Genetics
Classification: Likely pathogenic for Achromatopsia 2. Last evaluated: 2024-02-06. Review status: criteria provided, single submitter. Criteria: ACMG Guidelines, 2015. Collection method: clinical testing. Allele origin: germline.

Labcorp Genetics (formerly Invitae), Labcorp
Classification: Uncertain significance. Last evaluated: 2021-10-12. Review status: criteria provided, single submitter. Criteria: Invitae Variant Classification Sherloc (09022015). Collection method: clinical testing. Allele origin: germline.
Comment: This sequence change falls in intron 1 of the CNGA3 gene. It does not directly change the encoded amino acid sequence of the CNGA3 protein. RNA analysis indicates that this variant induces altered splicing and is likely to result in the loss of the initiator methionine. This variant is not present in population databases (ExAC no frequency). This variant has been observed in individual(s) with macular dystrophy (PMID: 30418171). ClinVar contains an entry for this variant (Variation ID: 503559). Variants that disrupt the consensus splice site are a relatively common cause of aberrant splicing (PMID: 17576681, 9536098). Studies have shown that this variant results in skipping of part of exon 2, and is expected to result in the loss of the initiator methionine (PMID: 30418171). In summary, the available evidence is currently insufficient to determine the role of this variant in disease. Therefore, it has been classified as a Variant of Uncertain Significance.

Molecular Genetics Laboratory, Institute for Ophthalmic Research
Classification: Likely pathogenic for Achromatopsia. Last evaluated: 2018-03-20. Review status: criteria provided, single submitter. Criteria: ACMG Guidelines, 2015. Collection method: research. Allele origin: germline. Affected: yes.

Kariminejad - Najmabadi Pathology & Genetics Center
Classification: Pathogenic for Achromatopsia 2. Review status: criteria provided, single submitter. Criteria: ACMG Guidelines, 2015. Collection method: clinical testing. Allele origin: germline. Affected: no.

Clinical Genetics, Academic Medical Center
Classification: Likely pathogenic. Review status: no assertion criteria provided. Collection method: clinical testing. Allele origin: germline. Affected: yes. Study: VKGL Data-share Consensus. Not counted in ClinVar's aggregate classification.

Joint Genome Diagnostic Labs from Nijmegen and Maastricht, Radboudumc and MUMC+
Classification: Pathogenic. Review status: no assertion criteria provided. Collection method: clinical testing. Allele origin: germline. Affected: yes. Study: VKGL Data-share Consensus. Not counted in ClinVar's aggregate classification.

Literature cited by the submitters: PubMed 30418171 (cited by Labcorp Genetics (formerly Invitae), Labcorp); PubMed 17576681 (cited by Labcorp Genetics (formerly Invitae), Labcorp); PubMed 9536098 (cited by Labcorp Genetics (formerly Invitae), Labcorp).

NM_001298.3(CNGA3):c.-37-1G>C

Gene: CNGA3 (cyclic nucleotide gated channel subunit alpha 3; plus strand). Cytogenetic location: 2q11.2.
Variant type: single nucleotide variant.
Coding change: c.-37-1G>C on transcript NM_001298.3 (MANE Select); the canonical splice acceptor site of the intron before 37 bases upstream of the start codon, G replaced by C.
Molecular consequence: splice acceptor variant.
Genome position (GRCh38, 1-based): chr2:98,369,938, G>C. VCF-style: chr2-98369938-G-C. GRCh37 (hg19) VCF-style: chr2-98986401-G-C.
Other names: c.-37-1G>C (NM_001079878.2).
Identifiers: ClinVar variation 503559 (VCV000503559.11), dbSNP rs1553447991, ClinGen allele CA658795831.